The following is an entry in ClinVar:

ClinVar aggregate classification (germline): Pathogenic. Review status: criteria provided, multiple submitters, no conflicts (2 of 4 stars). 2 submissions from 2 submitters: Pathogenic (2). Last evaluated 2024-11-06.

Conditions:
PLS3-related disorder. Also called: PLS3-related condition.

Submissions (2):

Blueprint Genetics
Classification: Pathogenic for PLS3-related disorders. Last evaluated: 2024-11-06. Review status: criteria provided, single submitter. Criteria: ACMG Guidelines, 2015. Collection method: clinical testing. Allele origin: germline. Affected: yes. Observed: 1 variant allele.

Labcorp Genetics (formerly Invitae), Labcorp
Classification: Pathogenic. Last evaluated: 2024-05-28. Review status: criteria provided, single submitter. Criteria: Invitae Variant Classification Sherloc (09022015). Collection method: clinical testing. Allele origin: germline.
Comment: This sequence change creates a premature translational stop signal (p.Asp332*) in the PLS3 gene. It is expected to result in an absent or disrupted protein product. Loss-of-function variants in PLS3 are known to be pathogenic (PMID: 24088043, 30405713, 33166085). This variant is not present in population databases (gnomAD no frequency). This premature translational stop signal has been observed in individual(s) with PLS3-related conditions (PMID: 24616189, 28378289). For these reasons, this variant has been classified as Pathogenic.

Literature cited by the submitters: PubMed 24088043 (cited by Labcorp Genetics (formerly Invitae), Labcorp); PubMed 30405713 (cited by Labcorp Genetics (formerly Invitae), Labcorp); PubMed 33166085 (cited by Labcorp Genetics (formerly Invitae), Labcorp); PubMed 24616189 (cited by Labcorp Genetics (formerly Invitae), Labcorp); PubMed 28378289 (cited by Labcorp Genetics (formerly Invitae), Labcorp).

NM_005032.7(PLS3):c.994_995del (p.Thr331_Asp332insTer)

Gene: PLS3 (plastin 3; plus strand). Cytogenetic location: Xq23.
Variant type: Deletion.
Coding change: c.994_995del on transcript NM_005032.7 (MANE Select); coding-DNA positions 994 to 995, 2 bases deleted (GA; older notation c.994_995delGA).
Protein change: p.Thr331_Asp332insTer.
Molecular consequence: nonsense.
Genome position (GRCh38, 1-based): chrX:115,643,319-115,643,320, GA deleted; deleting any 2 consecutive bases within chrX:115,643,318-115,643,320 gives the same sequence; the c. name uses the placement nearest the transcript's 3' end. VCF-style (leftmost placement, unchanged base first): chrX-115643317-CAG-C. GRCh37 (hg19) VCF-style: chrX-114877629-CAG-C.
Other names: c.994_995del, p.Thr331_Asp332insTer (NM_001136025.5); c.913_914del, p.Thr304_Asp305insTer (NM_001172335.3); c.955_956del, p.Thr318_Asp319insTer (NM_001282337.2); c.859_860del, p.Thr286_Asp287insTer (NM_001282338.2).
Identifiers: ClinVar variation 3724418 (VCV003724418.3).